The following is an entry in ClinVar:

ClinVar aggregate classification (germline): Uncertain significance (1 of 4 stars; one submission).

Conditions:
Hereditary cancer-predisposing syndrome. Also called: Neoplastic Syndromes, Hereditary; Tumor predisposition; Hereditary Cancer Syndrome; Hereditary neoplastic syndrome. Identifiers: Orphanet 140162, MedGen C0027672, MeSH D009386, MONDO:0015356.
Cardiovascular phenotype. Identifiers: MedGen CN230736.

Submission:

Ambry Genetics
Classification: Uncertain significance for Cardiovascular phenotype; Hereditary cancer-predisposing syndrome. Last evaluated: 2025-01-31. Review status: criteria provided, single submitter. Criteria: Ambry Variant Classification Scheme 2023. Collection method: clinical testing. Allele origin: germline.
Comment: The p.S620N variant (also known as c.1859G>A), located in coding exon 17 of the NF1 gene, results from a G to A substitution at nucleotide position 1859. The serine at codon 620 is replaced by asparagine, an amino acid with highly similar properties. This amino acid position is highly conserved in available vertebrate species. In addition, this alteration is predicted to be tolerated by in silico analysis. Based on the available evidence, the clinical significance of this variant remains unclear.

NM_001042492.3(NF1):c.1859G>A (p.Ser620Asn)

Gene: NF1 (neurofibromin 1; plus strand). Cytogenetic location: 17q11.2.
Variant type: single nucleotide variant.
Coding change: c.1859G>A on transcript NM_001042492.3 (MANE Select); coding-DNA position 1859, G replaced by A.
Protein change: p.Ser620Asn; replaces serine 620 with asparagine.
Molecular consequence: missense variant.
Genome position (GRCh38, 1-based): chr17:31,225,108, G>A. VCF-style: chr17-31225108-G-A. GRCh37 (hg19) VCF-style: chr17-29552126-G-A.
Other names: c.1859G>A, p.Ser620Asn (NM_000267.4); short protein forms S620N.
Identifiers: ClinVar variation 820204 (VCV000820204.5), dbSNP rs1597710354, ClinGen allele CA399005064.